The following is an entry in ClinVar:

ClinVar aggregate classification (germline): Likely benign (1 of 4 stars; one submission).

Conditions:
Oligodontia-cancer predisposition syndrome. Also called: TOOTH AGENESIS-COLORECTAL CANCER SYNDROME. Identifiers: Orphanet 300576, MedGen C1837750, MONDO:0012075, OMIM 608615. Disease mechanism: loss of function.

Submission:

Myriad Genetics, Inc.
Classification: Likely benign for Oligodontia-cancer predisposition syndrome. Last evaluated: 2024-07-09. Review status: criteria provided, single submitter. Criteria: Myriad Autosomal Dominant, Autosomal Recessive and X-Linked Classification Criteria (2023). Collection method: clinical testing. Allele origin: unknown.
Comment: This variant is considered likely benign. This variant is intronic and is not expected to impact mRNA splicing.

NM_004655.4(AXIN2):c.2141+7G>A

Gene: AXIN2 (axin 2; minus strand). Cytogenetic location: 17q24.1.
Variant type: single nucleotide variant.
Coding change: c.2141+7G>A on transcript NM_004655.4 (MANE Select); 7 bases into the intron after coding-DNA position 2141, G replaced by A.
Molecular consequence: intron variant.
Genome position (GRCh38, 1-based): chr17:65,536,313, C>T on the plus strand (G>A on the coding strand, the complement: AXIN2 is on the minus strand). VCF-style: chr17-65536313-C-T. GRCh37 (hg19) VCF-style: chr17-63532431-C-T.
Other names: c.1946+7G>A (NM_001363813.1).
Identifiers: ClinVar variation 3379127 (VCV003379127.1).
Genomic context (GRCh38, chr17:65,536,313, plus strand): 5'-GCCACAGACCAGGTCTCCACCCAAACCCAATCCCTGCCTCAACCTAGGACCCTTCACTTC[C>T]ACTCACCGCTGCTTTGGGGGCTTCGACACCTCAGCTAGCCTGCGACAGGCCTCCTCCAGC-3'